The following is an entry in ClinVar:

ClinVar aggregate classification (germline): Uncertain significance (1 of 4 stars; one submission).

Allele frequency attached by ClinVar (database versions not stated): gnomAD exomes below 0.00001 and 0.00001; gnomAD 0.00001; TOPMed 0.00001; ExAC 0.00002.
gnomAD v4.1: 11 of 1,611,910 alleles (0.00068%); highest among the groups gnomAD compares: Admixed American, 0.0017%; no homozygotes.

Submission:

Women's Health and Genetics/Laboratory Corporation of America, LabCorp
Classification: Uncertain significance. Last evaluated: 2019-12-04. Review status: criteria provided, single submitter. Criteria: LabCorp Variant Classification Summary - May 2015. Collection method: clinical testing. Allele origin: germline.
Comment: Variant summary: ATP8A2 c.1295C>T (p.Thr432Met) results in a non-conservative amino acid change in the encoded protein sequence. Five of five in-silico tools predict a damaging effect of the variant on protein function. The variant allele was found at a frequency of 4e-06 in 247784 control chromosomes (gnomAD). The available data on variant occurrences in the general population are insufficient to allow any conclusion about variant significance. To our knowledge, no occurrence of c.1295C>T in individuals affected with Cerebellar ataxia, mental retardation, and dysequilibrium syndrome 4 and no experimental evidence demonstrating its impact on protein function have been reported. No clinical diagnostic laboratories have submitted clinical-significance assessments for this variant to ClinVar after 2014. Based on the evidence outlined above, the variant was classified as uncertain significance.

NM_016529.6(ATP8A2):c.1295C>T (p.Thr432Met)

Gene: ATP8A2 (ATPase phospholipid transporting 8A2). Cytogenetic location: 13q12.13.
Variant type: single nucleotide variant.
Coding change: c.1295C>T on transcript NM_016529.6 (MANE Select); coding-DNA position 1295, C replaced by T.
Protein change: p.Thr432Met; replaces threonine 432 with methionine.
Molecular consequence: missense variant.
Genome position (GRCh38, 1-based): chr13:25,559,004, C>T. VCF-style: chr13-25559004-C-T. GRCh37 (hg19) VCF-style: chr13-26133142-C-T.
Other names: c.1175C>T, p.Thr392Met (NM_001313741.1); short protein forms T392M, T432M.
Identifiers: ClinVar variation 929089 (VCV000929089.1), dbSNP rs745650033, ClinGen allele CA6922861.